The following is an entry in ClinVar:

NM_004621.6(TRPC6):c.1309C>T (p.Arg437Cys)

Gene: TRPC6 (transient receptor potential cation channel subfamily C member 6; minus strand). Cytogenetic location: 11q22.1.
Variant type: single nucleotide variant.
Coding change: c.1309C>T on transcript NM_004621.6 (MANE Select); coding-DNA position 1309, C replaced by T.
Protein change: p.Arg437Cys; replaces arginine 437 with cysteine.
Molecular consequence: missense variant.
Genome position (GRCh38, 1-based): chr11:101,483,150, G>A on the plus strand (C>T on the coding strand, the complement: TRPC6 is on the minus strand). VCF-style: chr11-101483150-G-A. GRCh37 (hg19) VCF-style: chr11-101353881-G-A.
Other names: short protein forms R437C.
Identifiers: ClinVar variation 981945 (VCV000981945.3), dbSNP rs145580926, ClinGen allele CA6244344.

ClinVar aggregate classification (germline): Uncertain significance. Review status: criteria provided, single submitter (1 of 4 stars). 2 submissions from 2 submitters: Uncertain significance (1). 1 of the submissions does not count toward it. Last evaluated 2024-03-12.

Conditions:
Corticosteroids response. Also called: Corticosteroid response.
Focal segmental glomerulosclerosis 2 (FSGS2). Identifiers: Orphanet 656, MedGen C1858915, MONDO:0011390, OMIM 603965.

Allele frequency attached by ClinVar (database versions not stated): ExAC 0.00002; gnomAD exomes 0.00002 and 0.00003; TOPMed 0.00002; gnomAD 0.00003; ESP Exome Variant Server 0.00008.
gnomAD v4.1: 51 of 1,613,792 alleles (0.0032%); highest among the groups gnomAD compares: Non-Finnish European, 0.0039%; no homozygotes.

Submissions (2):

Fulgent Genetics
Classification: Uncertain significance for Focal segmental glomerulosclerosis 2. Last evaluated: 2024-03-12. Review status: criteria provided, single submitter. Criteria: ACMG Guidelines, 2015. Collection method: clinical testing. Allele origin: germline.

Genetic Testing Lab, Ashok and Rita Patel Institute of Integrated Study and Research in Biotechnology and Allied Sciences
Classification: drug response for Corticosteroid response. Last evaluated: 2020-01-12. Review status: no assertion criteria provided. Collection method: research. Allele origin: somatic. Affected: yes. Observed: 27 variant alleles. Not counted in ClinVar's aggregate classification.
Comment: Depending upon response to standard corticosteroid therapy, patients were classified to be either Steroid resistant (SRNS) or steroid sensitive (SSNS). Patients in remission within 4 weeks of corticosteroid therapy were classified as steroid sensitive nephrotic syndrome (SSNS). Patients not in remission within 4 weeks of corticosteroid therapy were classified as Steroid resistant nephrotic syndrome (SRNS).